The following is an entry in ClinVar:

ClinVar aggregate classification (germline): Pathogenic/Likely pathogenic. Review status: criteria provided, multiple submitters, no conflicts (2 of 4 stars). 6 submissions from 6 submitters: Pathogenic (4); Likely pathogenic (1). 1 of the submissions does not count toward it. Last evaluated 2025-11-21.

Conditions:
Pontocerebellar hypoplasia type 6 (PCH6). Identifiers: Orphanet 166073, MedGen C1969084, MONDO:0012683, OMIM 611523.

Allele frequency attached by ClinVar (database versions not stated): TOPMed below 0.00001; ExAC 0.00001.
gnomAD v4.1: 6 of 1,578,858 alleles (0.00038%); highest among the groups gnomAD compares: Admixed American, 0.0033%; no homozygotes.

Submissions (6):

Natera, Inc.
Classification: Likely pathogenic for Pontocerebellar hypoplasia, type 6. Last evaluated: 2025-11-21. Review status: criteria provided, single submitter. Criteria: Natera Variant Classification Schema (03/2026). Collection method: clinical testing. Allele origin: germline.
Comment: The c.110+5A>G variant in RARS2 is an intronic variant located outside the canonical splice sites. This variant is rare in the general population with a frequency below the threshold expected for the associated phenotype(s). This variant has been observed in one or more individuals affected with the associated recessive disease, as either homozygous or compound heterozygous with a second variant (PMID: 20952379). Functional studies show that this variant may disrupt protein function (PMID: 17847012). Computational prediction algorithms indicate this variant is likely to affect gene or protein function. Given the available evidence, this variant is classified as Likely Pathogenic.

Labcorp Genetics (formerly Invitae), Labcorp
Classification: Pathogenic. Last evaluated: 2024-03-07. Review status: criteria provided, single submitter. Criteria: Invitae Variant Classification Sherloc (09022015). Collection method: clinical testing. Allele origin: germline.
Comment: This sequence change falls in intron 2 of the RARS2 gene. It does not directly change the encoded amino acid sequence of the RARS2 protein. RNA analysis indicates that this variant induces altered splicing and may result in an absent or disrupted protein product. This variant is present in population databases (rs63749985, gnomAD 0.003%). This variant has been observed in individuals with pontocerebellar hypoplasia (PMID: 17847012, 26970947). It has also been observed to segregate with disease in related individuals. This variant is also known as IVS2+5A>G. ClinVar contains an entry for this variant (Variation ID: 891). Variants that disrupt the consensus splice site are a relatively common cause of aberrant splicing (PMID: 17576681, 9536098). Studies have shown that this variant results in exon 2 skipping and introduces a premature termination codon (PMID: 17847012). The resulting mRNA is expected to undergo nonsense-mediated decay. For these reasons, this variant has been classified as Pathogenic.

Baylor Genetics
Classification: Pathogenic for Pontocerebellar hypoplasia type 6. Last evaluated: 2023-07-25. Review status: criteria provided, single submitter. Criteria: ACMG Guidelines, 2015. Collection method: clinical testing. Allele origin: unknown.

Fulgent Genetics
Classification: Pathogenic for Pontocerebellar hypoplasia type 6. Last evaluated: 2022-04-04. Review status: criteria provided, single submitter. Criteria: ACMG Guidelines, 2015. Collection method: clinical testing. Allele origin: unknown.

CeGaT Center for Human Genetics Tuebingen
Classification: Pathogenic. Last evaluated: 2019-06-01. Review status: criteria provided, single submitter. Criteria: CeGaT Center For Human Genetics Tuebingen Variant Classification Criteria Version 2. Collection method: clinical testing. Allele origin: germline. Affected: yes. Observed: 1 variant allele.

OMIM
Classification: Pathogenic for PONTOCEREBELLAR HYPOPLASIA, TYPE 6. Last evaluated: 2007-10-01. Review status: no assertion criteria provided. Collection method: literature only. Allele origin: germline. Not counted in ClinVar's aggregate classification.

Literature cited by the submitters: PubMed 20952379 (cited by Natera, Inc.); PubMed 17847012 (cited by 3 submitters); PubMed 26970947 (cited by Labcorp Genetics (formerly Invitae), Labcorp); PubMed 17576681 (cited by Labcorp Genetics (formerly Invitae), Labcorp); PubMed 9536098 (cited by Labcorp Genetics (formerly Invitae), Labcorp).

NM_020320.5(RARS2):c.110+5A>G

Gene: RARS2 (arginyl-tRNA synthetase 2, mitochondrial; minus strand). Cytogenetic location: 6q15.
Variant type: single nucleotide variant.
Coding change: c.110+5A>G on transcript NM_020320.5 (MANE Select); 5 bases into the intron after coding-DNA position 110, A replaced by G.
Molecular consequence: intron variant.
Genome position (GRCh38, 1-based): chr6:87,569,512, T>C on the plus strand (A>G on the coding strand, the complement: RARS2 is on the minus strand). VCF-style: chr6-87569512-T-C. GRCh37 (hg19) VCF-style: chr6-88279230-T-C.
Other names: IVS2, A-G, +5; c.110+5A>G (NM_001350505.2, NM_020320.4); c.-359-5280A>G (NM_001350509.2); c.-360+5A>G (NM_001318785.2); c.-416+5A>G (NM_001350506.2, NM_001350510.2, NM_001350507.2); c.-578+5A>G (NM_001350508.2); c.-535+5A>G (NM_001350511.2).
Identifiers: ClinVar variation 891 (VCV000000891.52), dbSNP rs63749985, ClinGen allele CA3916782.